The following is an entry in ClinVar:

ClinVar aggregate classification (germline): Uncertain significance (1 of 4 stars; one submission).

Conditions:
Arrhythmogenic right ventricular dysplasia 10. Also called: Arrhythmogenic Right Ventricular Dysplasia/Cardiomyopathy10; ARRHYTHMOGENIC RIGHT VENTRICULAR DYSPLASIA, FAMILIAL, 10; Arrhythmogenic right ventricular dysplasia/cardiomyopathy, type 10. Identifiers: MedGen C1857777, MONDO:0012434, OMIM 610193.

Submission:

Labcorp Genetics (formerly Invitae), Labcorp
Classification: Uncertain significance for Arrhythmogenic right ventricular dysplasia 10. Last evaluated: 2022-01-10. Review status: criteria provided, single submitter. Criteria: Invitae Variant Classification Sherloc (09022015). Collection method: clinical testing. Allele origin: germline.
Comment: In summary, the available evidence is currently insufficient to determine the role of this variant in disease. Therefore, it has been classified as a Variant of Uncertain Significance. This variant disrupts a region of the DSG2 protein in which other variant(s) (p.Gly1083Ser) have been observed in individuals with DSG2-related conditions (PMID: 21636032). This suggests that this is a clinically significant region of the protein, and that variants that disrupt it are likely to be disease-causing. This variant has not been reported in the literature in individuals affected with DSG2-related conditions. This variant is not present in population databases (gnomAD no frequency). This sequence change creates a premature translational stop signal (p.Glu1048Lysfs*18) in the DSG2 gene. While this is not anticipated to result in nonsense mediated decay, it is expected to disrupt the last 71 amino acid(s) of the DSG2 protein.

Literature cited by the submitters: PubMed 21636032.

NM_001943.5(DSG2):c.3142_3143del (p.Glu1048fs)

Genes: DSG2 (desmoglein 2; plus strand), DSG2-AS1 (DSG2 antisense RNA 1; minus strand). Cytogenetic location: 18q12.1.
Variant type: Deletion.
Coding change: c.3142_3143del on transcript NM_001943.5 (MANE Select); coding-DNA positions 3142 to 3143, 2 bases deleted (GA; older notation c.3142_3143delGA).
Protein change: p.Glu1048fs; shifts the reading frame from glutamic acid 1048.
Molecular consequence: frameshift variant.
Genome position (GRCh38, 1-based): chr18:31,546,528-31,546,529, GA deleted; deleting any 2 consecutive bases within chr18:31,546,527-31,546,529 gives the same sequence; the c. name uses the placement nearest the transcript's 3' end. VCF-style (leftmost placement, unchanged base first): chr18-31546526-CAG-C. GRCh37 (hg19) VCF-style: chr18-29126489-CAG-C.
Other names: short protein forms E1048fs.
Identifiers: ClinVar variation 2058009 (VCV002058009.4), dbSNP rs2510922769, ClinGen allele CA2580095688.